The following is an entry in ClinVar:

ClinVar aggregate classification (germline): Uncertain significance (1 of 4 stars; one submission).

Allele frequency attached by ClinVar (database versions not stated): TOPMed 0.00002; gnomAD 0.00003; gnomAD exomes 0.00005.

Submission:

Women's Health and Genetics/Laboratory Corporation of America, LabCorp
Classification: Uncertain significance. Last evaluated: 2023-07-26. Review status: criteria provided, single submitter. Criteria: LabCorp Variant Classification Summary - May 2015. Collection method: clinical testing. Allele origin: germline.
Comment: Variant summary: AMH c.1097C>T (p.Pro366Leu) results in a non-conservative amino acid change located in the Anti-Mullerian hormone, N-terminal domain (IPR006799) of the encoded protein sequence. Three of five in-silico tools predict a benign effect of the variant on protein function. The variant allele was found at a frequency of 8.8e-05 in 79830 control chromosomes. The available data on variant occurrences in the general population are insufficient to allow any conclusion about variant significance. c.1097C>T has been reported in the literature as a non-informative genotype (second allele and/or zygosity not specified) in one individual within a cohort of individuals affected with Polycystic Ovarian syndrome (PCOS) (example, Gorsic_2017). These report(s) do not provide unequivocal conclusions about association of the variant with Persistent Mullerian duct syndrome. At least one publication reports experimental evidence evaluating an impact on protein function (Gorsic_2017). The most pronounced variant effect results in 69% of normal AMH-mediated BRE induction activity in-vitro. The following publication have been ascertained in the context of this evaluation (PMID: 28505284). No submitters have cited clinical-significance assessments for this variant to ClinVar after 2014. Based on the evidence outlined above, the variant was classified as uncertain significance.

Literature cited by the submitters: PubMed 28505284.

NM_000479.5(AMH):c.1097C>T (p.Pro366Leu)

Gene: AMH (anti-Mullerian hormone; plus strand). Cytogenetic location: 19p13.3.
Variant type: single nucleotide variant.
Coding change: c.1097C>T on transcript NM_000479.5 (MANE Select); coding-DNA position 1097, C replaced by T.
Protein change: p.Pro366Leu; replaces proline 366 with leucine.
Molecular consequence: missense variant.
Genome position (GRCh38, 1-based): chr19:2,251,371, C>T. VCF-style: chr19-2251371-C-T. GRCh37 (hg19) VCF-style: chr19-2251370-C-T.
Other names: short protein forms P366L.
Identifiers: ClinVar variation 2577294 (VCV002577294.1), dbSNP rs1336544836, ClinGen allele CA403242107.